The following is an entry in ClinVar:

NC_000017.11:g.(?_43063868)_(43124102_?)del

Genes: BRCA1 (BRCA1 DNA repair associated; minus strand), LOC111589216 (BRCA1 intron 2 regulatory region; plus strand), LOC126862571 (BRD4-independent group 4 enhancer GRCh37_chr17:41243136-41244335; plus strand), LOC110485084 (BRCA1 intronic recombination region; plus strand). Cytogenetic location: 17q21.31.
Variant type: Deletion.
Identifiers: ClinVar variation 531553 (VCV000531553.2).

ClinVar aggregate classification (germline): Pathogenic (1 of 4 stars; one submission).

Conditions:
Hereditary breast ovarian cancer syndrome. Also called: Hereditary breast and ovarian cancer syndrome (HBOC); BRCA1- and BRCA2-Associated Hereditary Breast and Ovarian Cancer; Hereditary breast and ovarian cancer syndrome; Breast and ovarian cancer; Hereditary breast and ovarian cancer; Hereditary breast and/or ovarian cancer syndrome. Identifiers: Orphanet 145, MedGen C0677776, MeSH D061325, MONDO:0003582. Disease mechanism: loss of function.

Submission:

Labcorp Genetics (formerly Invitae), Labcorp
Classification: Pathogenic for Hereditary breast ovarian cancer syndrome. Last evaluated: 2021-08-12. Review status: criteria provided, single submitter. Criteria: Invitae Variant Classification Sherloc (09022015). Collection method: clinical testing. Allele origin: germline.
Comment: This variant is a gross deletion of the genomic region encompassing exon(s) 2-17 of the BRCA1 gene, which includes the initiator codon. This deletion extends beyond the assayed region for this gene and therefore may encompass additional genes. It is expected to result in an absent or disrupted protein product. Loss-of-function variants in BRCA1 are known to be pathogenic (PMID: 20104584). A similar copy number variant has been observed in individual(s) with breast and/or ovarian cancer (PMID: 15475941, 18330910, 20135348, 21281505, 28595730). It is commonly reported in individuals of Czech ancestry (PMID: 23199084). For these reasons, this variant has been classified as Pathogenic.

Literature cited by the submitters: PubMed 20104584; PubMed 15475941; PubMed 18330910; PubMed 20135348; PubMed 21281505; PubMed 28595730; PubMed 23199084.